The following is an entry in ClinVar:

ClinVar aggregate classification (germline): Uncertain significance (1 of 4 stars; one submission).

Conditions:
Partial hypoxanthine-guanine phosphoribosyltransferase deficiency. Also called: GOUT, HPRT-RELATED; HPRT DEFICIENCY, PARTIAL; HYPOXANTHINE GUANINE PHOSPHORIBOSYLTRANSFERASE 1 DEFICIENCY, PARTIAL; Kelley-Seegmiller Syndrome; HPRT1 DEFICIENCY, PARTIAL. Identifiers: Orphanet 79233, MedGen C0268117, MONDO:0010299, OMIM 300323.
Lesch-Nyhan syndrome (LNS). Also called: Lesch-Nyhan Disease (LND); HPRT DEFICIENCY, COMPLETE. Identifiers: Orphanet 510, MedGen C0023374, MONDO:0010298, OMIM 300322.

Submission:

Labcorp Genetics (formerly Invitae), Labcorp
Classification: Uncertain significance for Lesch-Nyhan syndrome; Partial hypoxanthine-guanine phosphoribosyltransferase deficiency. Last evaluated: 2022-09-03. Review status: criteria provided, single submitter. Criteria: Invitae Variant Classification Sherloc (09022015). Collection method: clinical testing. Allele origin: germline.
Comment: In summary, the available evidence is currently insufficient to determine the role of this variant in disease. Therefore, it has been classified as a Variant of Uncertain Significance. Algorithms developed to predict the effect of sequence changes on RNA splicing suggest that this variant may create or strengthen a splice site. This variant has not been reported in the literature in individuals affected with HPRT1-related conditions. This variant is not present in population databases (gnomAD no frequency). This variant, c.615_620dup, results in the insertion of 2 amino acid(s) of the HPRT1 protein (p.Cys206_Val207dup), but otherwise preserves the integrity of the reading frame.

NM_000194.3(HPRT1):c.615_620dup (p.Val207_Ile208insCysVal)

Gene: HPRT1 (hypoxanthine phosphoribosyltransferase 1; plus strand). Cytogenetic location: Xq26.3.
Variant type: Duplication.
Coding change: c.615_620dup on transcript NM_000194.3 (MANE Select); coding-DNA positions 615 to 620, 6 bases duplicated (TTGTGT; older notation c.615_620dupTTGTGT).
Protein change: p.Val207_Ile208insCysVal.
Molecular consequence: inframe insertion.
Genome position (GRCh38, 1-based): chrX:134,500,035-134,500,040, TTGTGT duplicated; duplicating any 6 consecutive bases within chrX:134,500,032-134,500,040 gives the same sequence; the c. name uses the placement nearest the transcript's 3' end. VCF-style (leftmost placement, unchanged base first): chrX-134500031-A-ATGTTTG. GRCh37 (hg19) VCF-style: chrX-133634061-A-ATGTTTG.
Identifiers: ClinVar variation 2028889 (VCV002028889.4), dbSNP rs2520844462, ClinGen allele CA2580101553.